The following is an entry in ClinVar:

ClinVar aggregate classification (germline): Benign. Review status: criteria provided, multiple submitters, no conflicts (2 of 4 stars). 4 submissions from 4 submitters: Benign (3). 1 of the submissions does not count toward it. Last evaluated 2026-08-07.

Conditions:
POLQ-related disorder. Also called: POLQ-related condition.
Familial cancer of breast. Also called: BREAST CANCER, FAMILIAL; hereditary breast carcinoma; Hereditary breast cancer. Identifiers: Orphanet 227535, MedGen C0346153, MONDO:0016419, OMIM 114480. Disease mechanism: loss of function.

Allele frequency attached by ClinVar (database versions not stated): gnomAD 0.99837 and 0.99844; ESP Exome Variant Server 0.99846; gnomAD exomes 0.99986 and 0.99959; 1000 Genomes Project 30x 0.99688; 1000 Genomes Project 0.99740; TOPMed 0.99836; ExAC 0.99948.
gnomAD v4.1: 1,606,288 of 1,606,754 alleles (100%); highest among the groups gnomAD compares: East Asian, 100%; 802,911 homozygotes.

Submissions (4):

Genomic Medicine Laboratory, Hospital de Clinicas de Porto Alegre
Classification: Benign for Familial cancer of breast. Last evaluated: 2026-08-07. Review status: criteria provided, single submitter. Criteria: ACGS UK Practice Guidelines For Variant Classification V12 2024. Collection method: research. Allele origin: germline. Affected: yes. Observed: 32 variant alleles.
Comment: BA1: Allele frequency is above 5%

GeneDx
Classification: Benign. Last evaluated: 2021-12-28. Review status: criteria provided, single submitter. Criteria: GeneDx Variant Classification Process June 2021. Collection method: clinical testing. Allele origin: germline. Affected: yes.

Breakthrough Genomics
Classification: Benign. Review status: criteria provided, single submitter. Criteria: ACMG Guidelines, 2015. Collection method: not provided. Allele origin: germline. Inheritance: Unknown mechanism. Affected: yes.

PreventionGenetics, part of Exact Sciences
Classification: Benign for POLQ-related condition. Last evaluated: 2019-12-23. Review status: no assertion criteria provided. Collection method: clinical testing. Allele origin: germline. Not counted in ClinVar's aggregate classification.
Comment: This variant is classified as benign based on ACMG/AMP sequence variant interpretation guidelines (Richards et al. 2015 PMID: 25741868, with internal and published modifications).

NM_199420.4(POLQ):c.1437C>T (p.Gly479=)

Gene: POLQ (DNA polymerase theta; minus strand). Cytogenetic location: 3q13.33.
Variant type: single nucleotide variant.
Coding change: c.1437C>T on transcript NM_199420.4 (MANE Select); coding-DNA position 1437, C replaced by T.
Protein change: p.Gly479=; no amino-acid change (glycine 479 retained).
Molecular consequence: synonymous variant.
Genome position (GRCh38, 1-based): chr3:121,519,902, G>A on the plus strand (C>T on the coding strand, the complement: POLQ is on the minus strand). VCF-style: chr3-121519902-G-A. GRCh37 (hg19) VCF-style: chr3-121238749-G-A.
Identifiers: ClinVar variation 1331193 (VCV001331193.6), dbSNP rs702018, ClinGen allele CA2563542.